The following is an entry in ClinVar:

ClinVar aggregate classification (germline): Conflicting classifications of pathogenicity. Review status: criteria provided, conflicting classifications (1 of 4 stars). 2 submissions from 2 submitters: Uncertain significance (1); Likely benign (1). Last evaluated 2025-12-17.

Allele frequency attached by ClinVar (database versions not stated): gnomAD exomes below 0.00001; ExAC 0.00001.
gnomAD v4.1: 2 of 1,613,980 alleles (0.00012%); no homozygotes.

Submissions (2):

Labcorp Genetics (formerly Invitae), Labcorp
Classification: Uncertain significance. Last evaluated: 2025-12-17. Review status: criteria provided, single submitter. Criteria: Invitae Variant Classification Sherloc (09022015). Collection method: clinical testing. Allele origin: germline.
Comment: This sequence change replaces threonine, which is neutral and polar, with isoleucine, which is neutral and non-polar, at codon 30 of the NDUFAF5 protein (p.Thr30Ile). This variant is not present in population databases (gnomAD no frequency). This variant has not been reported in the literature in individuals affected with NDUFAF5-related conditions. ClinVar contains an entry for this variant (Variation ID: 382472). Invitae Evidence Modeling of protein sequence and biophysical properties (such as structural, functional, and spatial information, amino acid conservation, physicochemical variation, residue mobility, and thermodynamic stability) indicates that this missense variant is not expected to disrupt NDUFAF5 protein function with a negative predictive value of 95%. In summary, the available evidence is currently insufficient to determine the role of this variant in disease. Therefore, it has been classified as a Variant of Uncertain Significance.

GeneDx
Classification: Likely benign. Last evaluated: 2016-01-29. Review status: criteria provided, single submitter. Criteria: GeneDx Variant Classification (06012015). Collection method: clinical testing. Allele origin: germline. Affected: yes.
Comment: This variant is considered likely benign or benign based on one or more of the following criteria: it is a conservative change, it occurs at a poorly conserved position in the protein, it is predicted to be benign by multiple in silico algorithms, and/or has population frequency not consistent with disease.

NM_024120.5(NDUFAF5):c.89C>T (p.Thr30Ile)

Genes: NDUFAF5 (NADH:ubiquinone oxidoreductase complex assembly factor 5; plus strand), LOC130065433 (ATAC-STARR-seq lymphoblastoid active region 17552; plus strand). Cytogenetic location: 20p12.1.
Variant type: single nucleotide variant.
Coding change: c.89C>T on transcript NM_024120.5 (MANE Select); coding-DNA position 89, C replaced by T.
Protein change: p.Thr30Ile; replaces threonine 30 with isoleucine.
Molecular consequence: missense variant. On other transcripts: non-coding transcript variant (7), 5 prime UTR variant (3).
Genome position (GRCh38, 1-based): chr20:13,785,157, C>T. VCF-style: chr20-13785157-C-T. GRCh37 (hg19) VCF-style: chr20-13765803-C-T.
Other names: c.89C>T, p.Thr30Ile (NM_001039375.3, NM_001352408.2); c.-279C>T (NM_001352403.2); c.-493C>T (NM_001352406.2); c.-607C>T (NM_001352407.2); short protein forms T30I.
Identifiers: ClinVar variation 382472 (VCV000382472.2), dbSNP rs771954824, ClinGen allele CA9767583.